The following is an entry in ClinVar:

ClinVar aggregate classification (germline): Conflicting classifications of pathogenicity. Review status: criteria provided, conflicting classifications (1 of 4 stars). 4 submissions from 4 submitters: Uncertain significance (1); Likely benign (3). Last evaluated 2026-02-01.

Conditions:
SBF2-related disorder. Also called: SBF2-related condition.
Charcot-Marie-Tooth disease type 4. Also called: Charcot-Marie-Tooth disease, type IV; Charcot-Marie-Tooth, Type 4. Identifiers: Orphanet 64749, MedGen C4082197, MONDO:0018995.

Allele frequency attached by ClinVar (database versions not stated): ESP Exome Variant Server 0.00015; 1000 Genomes Project 30x 0.00016; gnomAD 0.00019 and 0.00020; gnomAD exomes 0.00002 and 0.00004; ExAC 0.00004; 1000 Genomes Project 0.00020; TOPMed 0.00026.
gnomAD v4.1: 54 of 1,603,090 alleles (0.0034%); highest among the groups gnomAD compares: African/African-American, 0.071%; no homozygotes.

Submissions (4):

Labcorp Genetics (formerly Invitae), Labcorp
Classification: Likely benign for Charcot-Marie-Tooth disease type 4. Last evaluated: 2026-02-01. Review status: criteria provided, single submitter. Criteria: Invitae Variant Classification Sherloc (09022015). Collection method: clinical testing. Allele origin: germline.

PreventionGenetics, part of Exact Sciences
Classification: Likely benign for SBF2-related condition. Last evaluated: 2025-11-18. Review status: criteria provided, single submitter. Criteria: ACMG Guidelines, 2015. Collection method: clinical testing. Allele origin: germline.
Comment: This variant is classified as likely benign based on ACMG/AMP sequence variant interpretation guidelines (Richards et al. 2015 PMID: 25741868, with internal and published modifications).

Blueprint Genetics
Classification: Likely benign. Last evaluated: 2022-07-13. Review status: criteria provided, single submitter. Criteria: ACMG Guidelines, 2015. Collection method: clinical testing. Allele origin: germline.

Eurofins Ntd Llc (ga)
Classification: Uncertain significance. Last evaluated: 2018-05-01. Review status: criteria provided, single submitter. Criteria: EGL ClinVar v180209 classification definitions. Collection method: clinical testing. Allele origin: germline. Observed: 1 variant allele, 1 heterozygote.

NM_030962.4(SBF2):c.4699-9C>A

Genes: SBF2-AS1 (SBF2 antisense RNA 1; plus strand), SBF2 (SET binding factor 2; minus strand), LOC105369149 (uncharacterized LOC105369149; plus strand). Cytogenetic location: 11p15.4.
Variant type: single nucleotide variant.
Coding change: c.4699-9C>A on transcript NM_030962.4 (MANE Select); 9 bases into the intron before coding-DNA position 4699, C replaced by A.
Molecular consequence: intron variant.
Genome position (GRCh38, 1-based): chr11:9,789,351, G>T on the plus strand (C>A on the coding strand, the complement: SBF2 is on the minus strand). VCF-style: chr11-9789351-G-T. GRCh37 (hg19) VCF-style: chr11-9810898-G-T.
Other names: c.4570-9C>A (NM_001386342.1); c.4795-9C>A (NM_001386339.1).
Identifiers: ClinVar variation 476933 (VCV000476933.17), dbSNP rs376668219, ClinGen allele CA5880908.